The following is an entry in ClinVar:

NM_000059.4(BRCA2):c.7283T>A (p.Leu2428Ter)

Gene: BRCA2 (BRCA2 DNA repair associated; plus strand). Cytogenetic location: 13q13.1.
Variant type: single nucleotide variant.
Coding change: c.7283T>A on transcript NM_000059.4 (MANE Select); coding-DNA position 7283, T replaced by A.
Protein change: p.Leu2428Ter; replaces leucine 2428 with a stop codon.
Molecular consequence: nonsense.
Genome position (GRCh38, 1-based): chr13:32,355,136, T>A. VCF-style: chr13-32355136-T-A. GRCh37 (hg19) VCF-style: chr13-32929273-T-A.
Other names: L2428X (7511T>A); short protein forms L2428*.
Identifiers: ClinVar variation 266997 (VCV000266997.9), dbSNP rs886040696, ClinGen allele CA10589421.

ClinVar aggregate classification (germline): Pathogenic. Review status: reviewed by expert panel (3 of 4 stars). 5 submissions from 5 submitters: Pathogenic (1). 4 of the submissions do not count toward it. Last evaluated 2016-10-18.

Conditions:
Hereditary cancer-predisposing syndrome. Also called: Neoplastic Syndromes, Hereditary; Hereditary Cancer Syndrome; Tumor predisposition; Hereditary neoplastic syndrome. Identifiers: Orphanet 140162, MedGen C0027672, MeSH D009386, MONDO:0015356.
Breast-ovarian cancer, familial, susceptibility to, 2 (BROVCA2). Also called: BRCA2 Hereditary Breast and Ovarian Cancer. Identifiers: Orphanet 145, MedGen C2675520, MONDO:0012933, OMIM 612555. Disease mechanism: loss of function.

Submissions (5):

Evidence-based Network for the Interpretation of Germline Mutant Alleles (ENIGMA)
Classification: Pathogenic for Breast-ovarian cancer, familial, susceptibility to, 2. Last evaluated: 2016-10-18. Review status: reviewed by expert panel. Criteria: ENIGMA BRCA1/2 Classification Criteria (2015). Collection method: curation. Allele origin: germline.
Comment: Variant allele predicted to encode a truncated non-functional protein.

Ambry Genetics
Classification: Pathogenic for Hereditary cancer-predisposing syndrome. Last evaluated: 2026-05-07. Review status: criteria provided, single submitter. Criteria: Ambry Variant Classification Scheme 2023. Collection method: clinical testing. Allele origin: germline. Not counted in ClinVar's aggregate classification.
Comment: The p.L2428* pathogenic mutation (also known as c.7283T>A), located in coding exon 13 of the BRCA2 gene, results from a T to A substitution at nucleotide position 7283. This changes the amino acid from a leucine to a stop codon within coding exon 13. This variant is considered to be rare based on population cohorts in the Genome Aggregation Database (gnomAD). This alteration is expected to result in loss of function by premature protein truncation or nonsense-mediated mRNA decay. As such, this alteration is interpreted as a disease-causing mutation.

Revvity Omics, Revvity
Classification: Likely pathogenic. Last evaluated: 2023-03-03. Review status: criteria provided, single submitter. Criteria: ACMG Guidelines, 2015. Collection method: clinical testing. Allele origin: germline. Not counted in ClinVar's aggregate classification.

GeneDx
Classification: Pathogenic. Last evaluated: 2016-02-17. Review status: criteria provided, single submitter. Criteria: GeneDx Variant Classification (06012015). Collection method: clinical testing. Allele origin: germline. Affected: yes. Not counted in ClinVar's aggregate classification.
Comment: This variant is denoted BRCA2 c.7283T>A at the cDNA level and p.Leu2428Ter (L2428X) at the protein level. The substitution creates a nonsense variant, which changes a Leucine to a premature stop codon (TTG>TAG) , and is predicted to cause loss of normal protein function through either protein truncation or nonsense-mediated mRNA decay. Although this variant has not, to our knowledge, been reported in the literature, it is considered pathogenic.

Consortium of Investigators of Modifiers of BRCA1/2 (CIMBA), c/o University of Cambridge
Classification: Pathogenic for Breast-ovarian cancer, familial, susceptibility to, 2. Last evaluated: 2015-10-02. Review status: criteria provided, single submitter. Criteria: CIMBA Mutation Classification guidelines May 2016. Collection method: clinical testing. Allele origin: germline. Not counted in ClinVar's aggregate classification.